The following is an entry in ClinVar:

ClinVar aggregate classification (germline): Uncertain significance. Review status: criteria provided, single submitter (1 of 4 stars). 2 submissions from 2 submitters: Uncertain significance (1). 1 of the submissions does not count toward it. Last evaluated 2025-03-22.

Conditions:
HTR2C-related disorder. Also called: HTR2C-related condition.

Allele frequency attached by ClinVar (database versions not stated): ExAC 0.00001; gnomAD 0.00001; gnomAD exomes 0.00004; TOPMed 0.00003.
gnomAD v4.1: 41 of 1,208,509 alleles (0.0034%); highest among the groups gnomAD compares: Non-Finnish European, 0.0046%; no homozygotes.

Submissions (2):

Ambry Genetics
Classification: Uncertain significance. Last evaluated: 2025-03-22. Review status: criteria provided, single submitter. Criteria: Ambry Variant Classification Scheme 2023. Collection method: clinical testing. Allele origin: germline.

PreventionGenetics, part of Exact Sciences
Classification: Uncertain significance for HTR2C-related condition. Last evaluated: 2024-05-21. Review status: no assertion criteria provided. Collection method: clinical testing. Allele origin: germline. Not counted in ClinVar's aggregate classification.
Comment: The HTR2C c.985A>G variant is predicted to result in the amino acid substitution p.Ile329Val. To our knowledge, this variant has not been reported in the literature. This variant is reported in 0.0037% of alleles in individuals of European (Non-Finnish) descent in gnomAD. At this time, the clinical significance of this variant is uncertain due to the absence of conclusive functional and genetic evidence.

NM_000868.4(HTR2C):c.985A>G (p.Ile329Val)

Genes: HTR2C (5-hydroxytryptamine receptor 2C; plus strand), LOC126863306 (MED14-independent group 3 enhancer GRCh37_chrX:114140926-114142125; plus strand). Cytogenetic location: Xq23.
Variant type: single nucleotide variant.
Coding change: c.985A>G on transcript NM_000868.4 (MANE Select); coding-DNA position 985, A replaced by G.
Protein change: p.Ile329Val; replaces isoleucine 329 with valine.
Molecular consequence: missense variant. On other transcripts: 3 prime UTR variant (1).
Genome position (GRCh38, 1-based): chrX:114,907,023, A>G. VCF-style: chrX-114907023-A-G. GRCh37 (hg19) VCF-style: chrX-114141586-A-G.
Other names: c.985A>G, p.Ile329Val (NM_001256760.3); c.*143A>G (NM_001256761.3); c.985A>G (NM_000868.2); short protein forms I329V.
Identifiers: ClinVar variation 3030673 (VCV003030673.3), dbSNP rs201244838, ClinGen allele CA10495539.